The following is an entry in ClinVar:

ClinVar aggregate classification (germline): Likely benign. Review status: criteria provided, multiple submitters, no conflicts (2 of 4 stars). 4 submissions from 4 submitters: Likely benign (4). Last evaluated 2025-11-27.

Conditions:
JPH2-related disorder. Also called: JPH2-related condition.
Cardiovascular phenotype. Identifiers: MedGen CN230736.
Hypertrophic cardiomyopathy. Also called: HYPERTROPHIC MYOCARDIOPATHY. Identifiers: Orphanet 217569, MedGen C0007194, MeSH D002312, MONDO:0005045, HP:0001639.

Allele frequency attached by ClinVar (database versions not stated): gnomAD 0.00008 and 0.00009; TOPMed 0.00011; gnomAD exomes below 0.00001 and 0.00002; 1000 Genomes Project 0.00020; 1000 Genomes Project 30x 0.00078.
gnomAD v4.1: 22 of 1,532,634 alleles (0.0014%); highest among the groups gnomAD compares: African/African-American, 0.022%; no homozygotes.

Submissions (4):

Labcorp Genetics (formerly Invitae), Labcorp
Classification: Likely benign for Hypertrophic cardiomyopathy. Last evaluated: 2025-11-27. Review status: criteria provided, single submitter. Criteria: Invitae Variant Classification Sherloc (09022015). Collection method: clinical testing. Allele origin: germline.

PreventionGenetics, part of Exact Sciences
Classification: Likely benign for JPH2-related condition. Last evaluated: 2025-09-12. Review status: criteria provided, single submitter. Criteria: ACMG Guidelines, 2015. Collection method: clinical testing. Allele origin: germline.
Comment: This variant is classified as likely benign based on ACMG/AMP sequence variant interpretation guidelines (Richards et al. 2015 PMID: 25741868, with internal and published modifications).

Ambry Genetics
Classification: Likely benign for Cardiovascular phenotype. Last evaluated: 2023-01-13. Review status: criteria provided, single submitter. Criteria: Ambry Variant Classification Scheme 2023. Collection method: clinical testing. Allele origin: germline.

GeneDx
Classification: Likely benign. Last evaluated: 2016-01-27. Review status: criteria provided, single submitter. Criteria: GeneDx Variant Classification (06012015). Collection method: clinical testing. Allele origin: germline. Affected: yes.
Comment: This variant is considered likely benign or benign based on one or more of the following criteria: it is a conservative change, it occurs at a poorly conserved position in the protein, it is predicted to be benign by multiple in silico algorithms, and/or has population frequency not consistent with disease.

NM_020433.5(JPH2):c.702G>A (p.Glu234=)

Gene: JPH2 (junctophilin 2; minus strand). Cytogenetic location: 20q13.12.
Variant type: single nucleotide variant.
Coding change: c.702G>A on transcript NM_020433.5 (MANE Select); coding-DNA position 702, G replaced by A.
Protein change: p.Glu234=; no amino-acid change (glutamic acid 234 retained).
Molecular consequence: synonymous variant.
Genome position (GRCh38, 1-based): chr20:44,160,085, C>T on the plus strand (G>A on the coding strand, the complement: JPH2 is on the minus strand). VCF-style: chr20-44160085-C-T. GRCh37 (hg19) VCF-style: chr20-42788725-C-T.
Identifiers: ClinVar variation 379343 (VCV000379343.13), dbSNP rs539149173, ClinGen allele CA16608364.
Genomic context (GRCh38, chr20:44,160,085, plus strand): 5'-GCTGAGGTCGCTCTTAAGGAAGCTGACACGGCTGCGCTGGCTACCCACGGACGTGCGCGA[C>T]TCTGCGCGCCGCAGCTTGCCCAGCAGCGCGCCCCGCTGGAAGAGGCCGCCGCCCTTGGGC-3'
Protein context (NP_065166.2, residues 224-244): GALLGKLRRA[Glu234=]SRTSVGSQRS